The following is an entry in ClinVar:

ClinVar aggregate classification (germline): Uncertain significance. Review status: criteria provided, multiple submitters, no conflicts (2 of 4 stars). 8 submissions from 8 submitters: Uncertain significance (7). 1 of the submissions does not count toward it. Last evaluated 2025-12-19.

Conditions:
CFTR-related disorder (CFTR-RD). Also called: CFTR-related disorders; CFTR-related condition. Identifiers: MedGen C5924204, MONDO:7770004.
Cystic fibrosis (CF). Also called: MUCOVISCIDOSIS. Identifiers: Orphanet 586, MedGen C0010674, MONDO:0009061, OMIM 219700. Disease mechanism: loss of function.

Allele frequency attached by ClinVar (database versions not stated): ExAC 0.00002; gnomAD 0.00004 and 0.00005; TOPMed 0.00002.
gnomAD v4.1: 46 of 1,603,310 alleles (0.0029%); highest among the groups gnomAD compares: Admixed American, 0.017%; 1 homozygote.

Submissions (8):

Women's Health and Genetics/Laboratory Corporation of America, LabCorp
Classification: Uncertain significance. Last evaluated: 2025-12-19. Review status: criteria provided, single submitter. Criteria: LabCorp Variant Classification Summary - May 2015. Collection method: clinical testing. Allele origin: germline.
Comment: Variant summary: CFTR c.1718C>T (p.Ser573Phe) results in a non-conservative amino acid change located in the ABC transporter-like domain (IPR003439) of the encoded protein sequence. Algorithms developed to predict the effect of missense changes on protein structure and function all suggest that this variant is likely to be disruptive. The variant allele was found at a frequency of 1.2e-05 in 250418 control chromosomes. The available data on variant occurrences in the general population are insufficient to allow any conclusion about variant significance. c.1718C>T has been observed in individual(s) affected with hypernatremic dyhydration. These report(s) do not provide unequivocal conclusions about association of the variant with Chronic Pancreatitis Risk. To our knowledge, no experimental evidence demonstrating an impact on protein function has been reported. The following publications have been ascertained in the context of this evaluation (PMID: 25880441, 33138251, 36249513). ClinVar contains an entry for this variant (Variation ID: 502512). Based on the evidence outlined above, the variant was classified as uncertain significance.

Labcorp Genetics (formerly Invitae), Labcorp
Classification: Uncertain significance for Cystic fibrosis. Last evaluated: 2024-10-31. Review status: criteria provided, single submitter. Criteria: Invitae Variant Classification Sherloc (09022015). Collection method: clinical testing. Allele origin: germline.
Comment: This sequence change replaces serine, which is neutral and polar, with phenylalanine, which is neutral and non-polar, at codon 573 of the CFTR protein (p.Ser573Phe). This variant is present in population databases (rs772223589, gnomAD 0.004%). This missense change has been observed in individual(s) with clinical features of CFTR-related conditions (PMID: 36249513). ClinVar contains an entry for this variant (Variation ID: 502512). Invitae Evidence Modeling of protein sequence and biophysical properties (such as structural, functional, and spatial information, amino acid conservation, physicochemical variation, residue mobility, and thermodynamic stability) indicates that this missense variant is expected to disrupt CFTR protein function with a positive predictive value of 80%. In summary, the available evidence is currently insufficient to determine the role of this variant in disease. Therefore, it has been classified as a Variant of Uncertain Significance.

GeneDx
Classification: Uncertain significance. Last evaluated: 2024-06-14. Review status: criteria provided, single submitter. Criteria: GeneDx Variant Classification Process June 2021. Collection method: clinical testing. Allele origin: germline. Affected: yes.
Comment: In silico analysis supports that this missense variant has a deleterious effect on protein structure/function; This variant is associated with the following publications: (PMID: 25880441, 36249513)

Mayo Clinic Laboratories, Mayo Clinic
Classification: Uncertain significance. Last evaluated: 2023-02-01. Review status: criteria provided, single submitter. Criteria: ACMG Guidelines, 2015. Collection method: clinical testing. Allele origin: germline. Observed: 1 variant allele.
Comment: PP3, PM2

Ambry Genetics
Classification: Uncertain significance for Cystic fibrosis. Last evaluated: 2023-01-18. Review status: criteria provided, single submitter. Criteria: Ambry Variant Classification Scheme 2023. Collection method: clinical testing. Allele origin: germline.
Comment: The p.S573F variant (also known as c.1718C>T), located in coding exon 13 of the CFTR gene, results from a C to T substitution at nucleotide position 1718. The serine at codon 573 is replaced by phenylalanine, an amino acid with highly dissimilar properties. This amino acid position is well conserved in available vertebrate species. In addition, this alteration is predicted to be deleterious by in silico analysis. Since supporting evidence is limited at this time, the clinical significance of this alteration remains unclear.

Genome-Nilou Lab
Classification: Uncertain significance for Cystic fibrosis. Last evaluated: 2021-09-05. Review status: criteria provided, single submitter. Criteria: ACMG Guidelines, 2015. Collection method: clinical testing. Allele origin: germline. Affected: no.

Eurofins Ntd Llc (ga)
Classification: Uncertain significance. Last evaluated: 2017-06-07. Review status: criteria provided, single submitter. Criteria: EGL Classification Definitions 2015. Collection method: clinical testing. Allele origin: germline. Observed: 1 variant allele, 1 heterozygote.

Natera, Inc.
Classification: Uncertain significance for CFTR-related disorders. Last evaluated: 2018-08-05. Review status: no assertion criteria provided. Collection method: clinical testing. Allele origin: germline. Not counted in ClinVar's aggregate classification.

Literature cited by the submitters: PubMed 25880441 (cited by Women's Health and Genetics/Laboratory Corporation of America, LabCorp); PubMed 33138251 (cited by Women's Health and Genetics/Laboratory Corporation of America, LabCorp and Mayo Clinic Laboratories, Mayo Clinic); PubMed 36249513 (cited by 3 submitters).

NM_000492.4(CFTR):c.1718C>T (p.Ser573Phe)

Gene: CFTR (CF transmembrane conductance regulator; plus strand). Cytogenetic location: 7q31.2.
Variant type: single nucleotide variant.
Coding change: c.1718C>T on transcript NM_000492.4 (MANE Select); coding-DNA position 1718, C replaced by T.
Protein change: p.Ser573Phe; replaces serine 573 with phenylalanine.
Molecular consequence: missense variant.
Genome position (GRCh38, 1-based): chr7:117,590,391, C>T. VCF-style: chr7-117590391-C-T. GRCh37 (hg19) VCF-style: chr7-117230445-C-T.
Other names: p.Ser573Phe; short protein forms S573F.
Identifiers: ClinVar variation 502512 (VCV000502512.19), dbSNP rs772223589, ClinGen allele CA4451071.